The following is an entry in ClinVar:

ClinVar aggregate classification (germline): Likely benign. Review status: criteria provided, multiple submitters, no conflicts (2 of 4 stars). 2 submissions from 2 submitters: Likely benign (2). Last evaluated 2026-05-01.

gnomAD v4.1: 365 of 1,613,676 alleles (0.023%); highest among the groups gnomAD compares: Non-Finnish European, 0.029%; 1 homozygote.

Submissions (2):

CeGaT Center for Human Genetics Tuebingen
Classification: Likely benign. Last evaluated: 2026-05-01. Review status: criteria provided, single submitter. Criteria: CeGaT Center For Human Genetics Tuebingen Variant Classification Criteria Version 2. Collection method: clinical testing. Allele origin: germline. Affected: yes. Observed: 1 variant allele.
Comment: ZNF142: BP4, BP7

Blueprint Genetics
Classification: Likely benign. Last evaluated: 2023-06-14. Review status: criteria provided, single submitter. Criteria: ACMG Guidelines, 2015. Collection method: clinical testing. Allele origin: germline.

NM_001379659.1(ZNF142):c.4185G>A (p.Glu1395=)

Gene: ZNF142 (zinc finger protein 142; minus strand). Cytogenetic location: 2q35.
Variant type: single nucleotide variant.
Coding change: c.4185G>A on transcript NM_001379659.1 (MANE Select); coding-DNA position 4185, G replaced by A.
Protein change: p.Glu1395=; no amino-acid change (glutamic acid 1395 retained).
Molecular consequence: synonymous variant.
Genome position (GRCh38, 1-based): chr2:218,642,931, C>T on the plus strand (G>A on the coding strand, the complement: ZNF142 is on the minus strand). VCF-style: chr2-218642931-C-T. GRCh37 (hg19) VCF-style: chr2-219507654-C-T.
Other names: c.3585G>A, p.Glu1195= (NM_001105537.5, NM_001366291.3, NM_001379662.1); c.3096G>A, p.Glu1032= (NM_001366287.3, NM_001366288.3, NM_001366289.3); c.4185G>A, p.Glu1395= (NM_001366290.3, NM_001379660.1, NM_001379661.1).
Identifiers: ClinVar variation 4873581 (VCV004873581.3).
Genomic context (GRCh38, chr2:218,642,931, plus strand): 5'-TAACCGGTACCGTCTGGTGGTCGAAAAGTCACAGAAGGGGCACTGATGGGGCTTCACCCC[C>T]TCGTGCTTGAGCCGCCGGTGCTGCTGCATGCAACGGCTCTGTTTACAGGTGAAGCCACAG-3'
Protein context (NP_001366588.1, residues 1385-1405): CMQQHRRLKH[Glu1395=]GVKPHQCPFC